The following is an entry in ClinVar:

NM_014014.5(SNRNP200):c.5702G>A (p.Arg1901His)

Gene: SNRNP200 (small nuclear ribonucleoprotein U5 subunit 200; minus strand). Cytogenetic location: 2q11.2.
Variant type: single nucleotide variant.
Coding change: c.5702G>A on transcript NM_014014.5 (MANE Select); coding-DNA position 5702, G replaced by A.
Protein change: p.Arg1901His; replaces arginine 1901 with histidine.
Molecular consequence: missense variant.
Genome position (GRCh38, 1-based): chr2:96,277,859, C>T on the plus strand (G>A on the coding strand, the complement: SNRNP200 is on the minus strand). VCF-style: chr2-96277859-C-T. GRCh37 (hg19) VCF-style: chr2-96943597-C-T.
Other names: c.5702G>A (NM_014014.4); short protein forms R1901H.
Identifiers: ClinVar variation 1504286 (VCV001504286.7), dbSNP rs1237152334, ClinGen allele CA347658167.

ClinVar aggregate classification (germline): Uncertain significance. Review status: criteria provided, multiple submitters, no conflicts (2 of 4 stars). 2 submissions from 2 submitters: Uncertain significance (2). Last evaluated 2025-05-18.

Conditions:
Inborn genetic diseases. Identifiers: MedGen C0950123, MeSH D030342.

Allele frequency attached by ClinVar (database versions not stated): gnomAD exomes below 0.00001; TOPMed below 0.00001; gnomAD 0.00001.

Submissions (2):

Ambry Genetics
Classification: Uncertain significance for Inborn genetic diseases. Last evaluated: 2025-05-18. Review status: criteria provided, single submitter. Criteria: Ambry Variant Classification Scheme 2023. Collection method: clinical testing. Allele origin: germline.

Labcorp Genetics (formerly Invitae), Labcorp
Classification: Uncertain significance. Last evaluated: 2023-08-30. Review status: criteria provided, single submitter. Criteria: Invitae Variant Classification Sherloc (09022015). Collection method: clinical testing. Allele origin: germline.
Comment: This variant has not been reported in the literature in individuals affected with SNRNP200-related conditions. This variant is present in population databases (no rsID available, gnomAD 0.0009%). This sequence change replaces arginine, which is basic and polar, with histidine, which is basic and polar, at codon 1901 of the SNRNP200 protein (p.Arg1901His). ClinVar contains an entry for this variant (Variation ID: 1504286). In summary, the available evidence is currently insufficient to determine the role of this variant in disease. Therefore, it has been classified as a Variant of Uncertain Significance. Advanced modeling of protein sequence and biophysical properties (such as structural, functional, and spatial information, amino acid conservation, physicochemical variation, residue mobility, and thermodynamic stability) performed at Invitae indicates that this missense variant is expected to disrupt SNRNP200 protein function.